The following is an entry in ClinVar:

NM_005560.6(LAMA5):c.6518T>C (p.Leu2173Pro)

Gene: LAMA5 (laminin subunit alpha 5; minus strand). Cytogenetic location: 20q13.33.
Variant type: single nucleotide variant.
Coding change: c.6518T>C on transcript NM_005560.6 (MANE Select); coding-DNA position 6518, T replaced by C.
Protein change: p.Leu2173Pro; replaces leucine 2173 with proline.
Molecular consequence: missense variant.
Genome position (GRCh38, 1-based): chr20:62,320,869, A>G on the plus strand (T>C on the coding strand, the complement: LAMA5 is on the minus strand). VCF-style: chr20-62320869-A-G. GRCh37 (hg19) VCF-style: chr20-60895925-A-G.
Other names: short protein forms L2173P.
Identifiers: ClinVar variation 1963083 (VCV001963083.6), dbSNP rs750520198, ClinGen allele CA9941695.
Genomic context (GRCh38, chr20:62,320,869, plus strand): 5'-CGCAGTTGCTCGTGAATGGCGGGGAGGAGGGCGCCGGCCCGTTCCAGGTCATCCAGGAGC[A>G]GGACCACACAGTGGTCACACACTGCAGGCGATGTGGGGTCACAGGTCAGTGTCATTGGGT-3'
Protein context (NP_005551.3, residues 2163-2183): HCEVCDHCVV[Leu2173Pro]LLDDLERAGA

ClinVar aggregate classification (germline): Uncertain significance. Review status: criteria provided, multiple submitters, no conflicts (2 of 4 stars). 2 submissions from 2 submitters: Uncertain significance (2). Last evaluated 2022-05-13.

Conditions:
Inborn genetic diseases. Identifiers: MedGen C0950123, MeSH D030342.

Allele frequency attached by ClinVar (database versions not stated): TOPMed 0.00001; ExAC 0.00003.
gnomAD v4.1: 77 of 1,611,132 alleles (0.0048%); highest among the groups gnomAD compares: Non-Finnish European, 0.0063%; no homozygotes.

Submissions (2):

Ambry Genetics
Classification: Uncertain significance for Inborn genetic diseases. Last evaluated: 2022-05-13. Review status: criteria provided, single submitter. Criteria: Ambry Variant Classification Scheme 2023. Collection method: clinical testing. Allele origin: germline.

Labcorp Genetics (formerly Invitae), Labcorp
Classification: Uncertain significance. Last evaluated: 2022-04-16. Review status: criteria provided, single submitter. Criteria: Invitae Variant Classification Sherloc (09022015). Collection method: clinical testing. Allele origin: germline.
Comment: In summary, the available evidence is currently insufficient to determine the role of this variant in disease. Therefore, it has been classified as a Variant of Uncertain Significance. Algorithms developed to predict the effect of missense changes on protein structure and function (SIFT, PolyPhen-2, Align-GVGD) all suggest that this variant is likely to be tolerated. This variant has not been reported in the literature in individuals affected with LAMA5-related conditions. This variant is present in population databases (rs750520198, gnomAD 0.005%). This sequence change replaces leucine, which is neutral and non-polar, with proline, which is neutral and non-polar, at codon 2173 of the LAMA5 protein (p.Leu2173Pro).